The following is an entry in ClinVar:

ClinVar aggregate classification (germline): Benign/Likely benign. Review status: criteria provided, multiple submitters, no conflicts (2 of 4 stars). 3 submissions from 3 submitters: Benign (1); Likely benign (2). Last evaluated 2026-06-09.

Conditions:
Inborn genetic diseases. Identifiers: MedGen C0950123, MeSH D030342.
Tumor predisposition syndrome 2 (TPDS2). Also called: MBD4-ASSOCIATED NEOPLASIA SYNDROME; MBD4-Related Tumor Predisposition Syndrome; MBD4-associated neoplasia syndrome (MANS). Identifiers: Orphanet 661526, MedGen C5774186, MONDO:0859267, OMIM 619975.

gnomAD v4.1: 1 of 1,607,026 alleles (0.000062%); highest among the groups gnomAD compares: Admixed American, 0.0017%; no homozygotes.

Submissions (3):

Myriad Genetics, Inc.
Classification: Benign for Tumor predisposition syndrome 2. Last evaluated: 2026-06-09. Review status: criteria provided, single submitter. Criteria: Myriad Autosomal Dominant, Autosomal Recessive and X-Linked Classification Criteria (2023). Collection method: clinical testing. Allele origin: unknown.
Comment: This variant is considered benign. This variant is a silent/synonymous amino acid change and it is not expected to impact splicing.

Ambry Genetics
Classification: Likely benign for Inborn genetic diseases. Last evaluated: 2025-08-01. Review status: criteria provided, single submitter. Criteria: Ambry Variant Classification Scheme 2023. Collection method: clinical testing. Allele origin: germline.

Labcorp Genetics (formerly Invitae), Labcorp
Classification: Likely benign. Last evaluated: 2024-05-02. Review status: criteria provided, single submitter. Criteria: Invitae Variant Classification Sherloc (09022015). Collection method: clinical testing. Allele origin: germline.

NM_001276270.2(MBD4):c.66T>C (p.Ser22=)

Gene: MBD4 (methyl-CpG binding domain 4, DNA glycosylase; minus strand). Cytogenetic location: 3q21.3.
Variant type: single nucleotide variant.
Coding change: c.66T>C on transcript NM_001276270.2 (MANE Select); coding-DNA position 66, T replaced by C.
Protein change: p.Ser22=; no amino-acid change (serine 22 retained).
Molecular consequence: synonymous variant.
Genome position (GRCh38, 1-based): chr3:129,439,768, A>G on the plus strand (T>C on the coding strand, the complement: MBD4 is on the minus strand). VCF-style: chr3-129439768-A-G. GRCh37 (hg19) VCF-style: chr3-129158611-A-G.
Other names: c.66T>C, p.Ser22= (NM_001276271.2, NM_001276272.2, NM_001276273.2 and 1 more transcripts).
Identifiers: ClinVar variation 3675359 (VCV003675359.4).
Genomic context (GRCh38, chr3:129,439,768, plus strand): 5'-CCAAAAGGGGACAGTAACTTACCGGAGGTCATTCGGCGGGTCTGGGACTAGGCGCTCACT[A>G]GAGGTGACGGTGGGGGCAGCTCCGCGGTCCCCCAGACTCAGACTCTCCAGCCCAGTCGTG-3'
Protein context (NP_001263199.1, residues 12-32): GDRGAAPTVT[Ser22=]SERLVPDPPN